The following is an entry in ClinVar:

ClinVar aggregate classification (germline): Uncertain significance (1 of 4 stars; one submission).

Conditions:
Autosomal recessive limb-girdle muscular dystrophy type 2J (LGMDR10). Also called: Limb-girdle muscular dystrophy, type 2J; MUSCULAR DYSTROPHY, LIMB-GIRDLE, AUTOSOMAL RECESSIVE 10. Identifiers: Orphanet 140922, MedGen C1837342, MONDO:0012127, OMIM 608807.
Dilated cardiomyopathy 1G (CMD1G). Identifiers: Orphanet 154, MedGen C1858763, MONDO:0011400, OMIM 604145.

gnomAD v4.1: 14 of 1,613,676 alleles (0.00087%); highest among the groups gnomAD compares: African/African-American, 0.004%; no homozygotes.

Submission:

Labcorp Genetics (formerly Invitae), Labcorp
Classification: Uncertain significance for Dilated cardiomyopathy 1G; Autosomal recessive limb-girdle muscular dystrophy type 2J. Last evaluated: 2025-06-24. Review status: criteria provided, single submitter. Criteria: Invitae Variant Classification Sherloc (09022015). Collection method: clinical testing. Allele origin: germline.
Comment: This sequence change replaces tyrosine, which is neutral and polar, with histidine, which is basic and polar, at codon 34458 of the TTN protein (p.Tyr34458His). This variant is present in population databases (no rsID available, gnomAD 0.007%). This variant has not been reported in the literature in individuals affected with TTN-related conditions. Experimental studies and prediction algorithms are not available or were not evaluated, and the functional significance of this variant is currently unknown. This variant is located in the M band of TTN (PMID: 25589632). Non-truncating variants in this region may be relevant for neuromuscular disorders, but have not been definitively shown to cause cardiomyopathy (PMID: 23975875). In summary, the available evidence is currently insufficient to determine the role of this variant in disease. Therefore, it has been classified as a Variant of Uncertain Significance.

Literature cited by the submitters: PubMed 25589632; PubMed 23975875.

NM_001267550.2(TTN):c.103372T>C (p.Tyr34458His)

Genes: TTN (titin; minus strand), TTN-AS1 (TTN antisense RNA 1; plus strand). Cytogenetic location: 2q31.2.
Variant type: single nucleotide variant.
Coding change: c.103372T>C on transcript NM_001267550.2 (MANE Select); coding-DNA position 103372, T replaced by C.
Protein change: p.Tyr34458His; replaces tyrosine 34458 with histidine.
Molecular consequence: missense variant.
Genome position (GRCh38, 1-based): chr2:178,533,243, A>G on the plus strand (T>C on the coding strand, the complement: TTN is on the minus strand). VCF-style: chr2-178533243-A-G. GRCh37 (hg19) VCF-style: chr2-179397970-A-G.
Other names: c.98449T>C, p.Tyr32817His (NM_001256850.1); c.76177T>C, p.Tyr25393His (NM_003319.4); c.95668T>C, p.Tyr31890His (NM_133378.4); c.76552T>C, p.Tyr25518His (NM_133432.3); c.76753T>C, p.Tyr25585His (NM_133437.4); short protein forms Y25393H, Y25585H, Y31890H, Y34458H, Y25518H, Y32817H.
Identifiers: ClinVar variation 4788486 (VCV004788486.1).